The following is an entry in ClinVar:

NM_003105.6(SORL1):c.2085A>G (p.Ser695=)

Gene: SORL1 (sortilin related receptor 1; plus strand). Cytogenetic location: 11q24.1.
Variant type: single nucleotide variant.
Coding change: c.2085A>G on transcript NM_003105.6 (MANE Select); coding-DNA position 2085, A replaced by G.
Protein change: p.Ser695=; no amino-acid change (serine 695 retained).
Molecular consequence: synonymous variant.
Genome position (GRCh38, 1-based): chr11:121,549,993, A>G. VCF-style: chr11-121549993-A-G. GRCh37 (hg19) VCF-style: chr11-121420702-A-G.
Identifiers: ClinVar variation 2883440 (VCV002883440.3), dbSNP rs147187803, ClinGen allele CA6328837.

ClinVar aggregate classification (germline): Uncertain significance (1 of 4 stars; one submission).

Allele frequency attached by ClinVar (database versions not stated): ExAC 0.00003; gnomAD exomes 0.00004; gnomAD 0.00005; TOPMed 0.00005; ESP Exome Variant Server 0.00008.
gnomAD v4.1: 66 of 1,613,702 alleles (0.0041%); highest among the groups gnomAD compares: Middle Eastern, 0.049%; no homozygotes.

Submission:

Labcorp Genetics (formerly Invitae), Labcorp
Classification: Uncertain significance. Last evaluated: 2023-03-15. Review status: criteria provided, single submitter. Criteria: Invitae Variant Classification Sherloc (09022015). Collection method: clinical testing. Allele origin: germline.
Comment: This variant is present in population databases (rs147187803, gnomAD 0.008%). This variant has not been reported in the literature in individuals affected with SORL1-related conditions. Algorithms developed to predict the effect of sequence changes on RNA splicing suggest that this variant may disrupt the consensus splice site. In summary, the available evidence is currently insufficient to determine the role of this variant in disease. Therefore, it has been classified as a Variant of Uncertain Significance. This sequence change affects codon 695 of the SORL1 mRNA. It is a 'silent' change, meaning that it does not change the encoded amino acid sequence of the SORL1 protein.